The following is an entry in ClinVar:

ClinVar aggregate classification (germline): Uncertain significance (1 of 4 stars; one submission).

Conditions:
Neurofibromatosis, type 1 (NF1). Also called: Neurofibromatosis, type I; VON RECKLINGHAUSEN DISEASE; Peripheral type neurofibromatosis; NEUROFIBROMATOSIS, TYPE I, SOMATIC. Identifiers: Orphanet 636, MedGen C0027831, MONDO:0018975, OMIM 162200. Disease mechanism: loss of function.

Submission:

Labcorp Genetics (formerly Invitae), Labcorp
Classification: Uncertain significance for Neurofibromatosis, type 1. Last evaluated: 2023-08-16. Review status: criteria provided, single submitter. Criteria: Invitae Variant Classification Sherloc (09022015). Collection method: clinical testing. Allele origin: germline.
Comment: In summary, the available evidence is currently insufficient to determine the role of this variant in disease. Therefore, it has been classified as a Variant of Uncertain Significance. Advanced modeling of protein sequence and biophysical properties (such as structural, functional, and spatial information, amino acid conservation, physicochemical variation, residue mobility, and thermodynamic stability) performed at Invitae indicates that this missense variant is expected to disrupt NF1 protein function. This variant has not been reported in the literature in individuals affected with NF1-related conditions. This variant is not present in population databases (gnomAD no frequency). This sequence change replaces isoleucine, which is neutral and non-polar, with asparagine, which is neutral and polar, at codon 766 of the NF1 protein (p.Ile766Asn).

NM_001042492.3(NF1):c.2297T>A (p.Ile766Asn)

Gene: NF1 (neurofibromin 1; plus strand). Cytogenetic location: 17q11.2.
Variant type: single nucleotide variant.
Coding change: c.2297T>A on transcript NM_001042492.3 (MANE Select); coding-DNA position 2297, T replaced by A.
Protein change: p.Ile766Asn; replaces isoleucine 766 with asparagine.
Molecular consequence: missense variant.
Genome position (GRCh38, 1-based): chr17:31,227,263, T>A. VCF-style: chr17-31227263-T-A. GRCh37 (hg19) VCF-style: chr17-29554281-T-A.
Other names: c.2297T>A, p.Ile766Asn (NM_000267.4); short protein forms I766N.
Identifiers: ClinVar variation 2892174 (VCV002892174.3), dbSNP rs863224657, ClinGen allele CA398982833.